The following is an entry in ClinVar:

ClinVar aggregate classification (germline): Likely benign. Review status: criteria provided, multiple submitters, no conflicts (2 of 4 stars). 3 submissions from 3 submitters: Likely benign (2). 1 of the submissions does not count toward it. Last evaluated 2025-05-19.

Conditions:
BPTF-related disorder. Also called: BPTF-related condition.
Inborn genetic diseases. Identifiers: MedGen C0950123, MeSH D030342.

Allele frequency attached by ClinVar (database versions not stated): gnomAD exomes 0.00006 and 0.00020; ExAC 0.00025; TOPMed 0.00068; ESP Exome Variant Server 0.00077; gnomAD 0.00081 and 0.00088; 1000 Genomes Project 0.00100; 1000 Genomes Project 30x 0.00109.
gnomAD v4.1: 224 of 1,614,094 alleles (0.014%); highest among the groups gnomAD compares: African/African-American, 0.25%; 1 homozygote.

Submissions (3):

Labcorp Genetics (formerly Invitae), Labcorp
Classification: Likely benign. Last evaluated: 2025-05-19. Review status: criteria provided, single submitter. Criteria: Invitae Variant Classification Sherloc (09022015). Collection method: clinical testing. Allele origin: germline.

Ambry Genetics
Classification: Likely benign for Inborn genetic diseases. Last evaluated: 2025-05-14. Review status: criteria provided, single submitter. Criteria: Ambry Variant Classification Scheme 2023. Collection method: clinical testing. Allele origin: germline.

PreventionGenetics, part of Exact Sciences
Classification: Likely benign for BPTF-related condition. Last evaluated: 2020-04-20. Review status: no assertion criteria provided. Collection method: clinical testing. Allele origin: germline. Not counted in ClinVar's aggregate classification.
Comment: This variant is classified as likely benign based on ACMG/AMP sequence variant interpretation guidelines (Richards et al. 2015 PMID: 25741868, with internal and published modifications).

NM_182641.4(BPTF):c.5621C>T (p.Thr1874Met)

Gene: BPTF (bromodomain PHD finger transcription factor; plus strand). Cytogenetic location: 17q24.2.
Variant type: single nucleotide variant.
Coding change: c.5621C>T on transcript NM_182641.4 (MANE Select); coding-DNA position 5621, C replaced by T.
Protein change: p.Thr1874Met; replaces threonine 1874 with methionine.
Molecular consequence: missense variant.
Genome position (GRCh38, 1-based): chr17:67,922,903, C>T. VCF-style: chr17-67922903-C-T. GRCh37 (hg19) VCF-style: chr17-65919019-C-T.
Other names: c.5999C>T, p.Thr2000Met (NM_004459.7); c.5621C>T (NM_182641.3); short protein forms T1874M, T2000M.
Identifiers: ClinVar variation 749067 (VCV000749067.11), dbSNP rs148728817, ClinGen allele CA8725998.
Genomic context (GRCh38, chr17:67,922,903, plus strand): 5'-CGCCTACACCTCAGAGGAAAGGCCTTCGATCAAGTGCACTGCGGCCAAAGAGACCAGAAA[C>T]GCCCAAGCAAACTGGCCCTGTTATTATTGAAACCTGGGTAGCAGAAGAAGAACTGGAATT-3'
Protein context (NP_872579.2, residues 1864-1884): SSALRPKRPE[Thr1874Met]PKQTGPVIIE